The following is an entry in ClinVar:

NM_022356.4(P3H1):c.808+4C>T

Gene: P3H1 (prolyl 3-hydroxylase 1; minus strand). Cytogenetic location: 1p34.2.
Variant type: single nucleotide variant.
Coding change: c.808+4C>T on transcript NM_022356.4 (MANE Select); 4 bases into the intron after coding-DNA position 808, C replaced by T.
Molecular consequence: intron variant.
Genome position (GRCh38, 1-based): chr1:42,759,197, G>A on the plus strand (C>T on the coding strand, the complement: P3H1 is on the minus strand). VCF-style: chr1-42759197-G-A. GRCh37 (hg19) VCF-style: chr1-43224868-G-A.
Other names: c.808+4C>T (NM_022356.3, NM_001146289.2, NM_001243246.2).
Identifiers: ClinVar variation 2042996 (VCV002042996.6), dbSNP rs534929823, ClinGen allele CA21245392.
Genomic context (GRCh38, chr1:42,759,197, plus strand): 5'-ATCAGATGGTGACCTTAGAGTCCCAGGAGGCCTGGCTGAAGGTCTGGCTCTGAACTGCAC[G>A]CACCTGTGATGGCCTGGAAGAGGTCAGCGTTGTACTCAAGGTAGTTGTAGCCATCGTAGT-3'

ClinVar aggregate classification (germline): Uncertain significance. Review status: criteria provided, single submitter (1 of 4 stars). 2 submissions from 2 submitters: Uncertain significance (1). 1 of the submissions does not count toward it. Last evaluated 2022-07-30.

Conditions:
P3H1-related disorder. Also called: P3H1-related condition.
Osteogenesis imperfecta type 8 (OI8). Identifiers: MedGen C1970458, MONDO:0012581, OMIM 610915.

Allele frequency attached by ClinVar (database versions not stated): gnomAD exomes below 0.00001; TOPMed below 0.00001; gnomAD 0.00001.
gnomAD v4.1: 9 of 1,614,146 alleles (0.00056%); highest among the groups gnomAD compares: Middle Eastern, 0.016%; no homozygotes.

Submissions (2):

Labcorp Genetics (formerly Invitae), Labcorp
Classification: Uncertain significance for Osteogenesis imperfecta type 8. Last evaluated: 2022-07-30. Review status: criteria provided, single submitter. Criteria: Invitae Variant Classification Sherloc (09022015). Collection method: clinical testing. Allele origin: germline.
Comment: Variants that disrupt the consensus splice site are a relatively common cause of aberrant splicing (PMID: 17576681, 9536098). Algorithms developed to predict the effect of sequence changes on RNA splicing suggest that this variant is not likely to affect RNA splicing. This variant has not been reported in the literature in individuals affected with P3H1-related conditions. This variant is not present in population databases (gnomAD no frequency). This sequence change falls in intron 3 of the P3H1 gene. It does not directly change the encoded amino acid sequence of the P3H1 protein. It affects a nucleotide within the consensus splice site. In summary, the available evidence is currently insufficient to determine the role of this variant in disease. Therefore, it has been classified as a Variant of Uncertain Significance.

PreventionGenetics, part of Exact Sciences
Classification: Likely benign for P3H1-related condition. Last evaluated: 2019-03-14. Review status: no assertion criteria provided. Collection method: clinical testing. Allele origin: germline. Not counted in ClinVar's aggregate classification.
Comment: This variant is classified as likely benign based on ACMG/AMP sequence variant interpretation guidelines (Richards et al. 2015 PMID: 25741868, with internal and published modifications).

Literature cited by the submitters: PubMed 17576681 (cited by Labcorp Genetics (formerly Invitae), Labcorp); PubMed 9536098 (cited by Labcorp Genetics (formerly Invitae), Labcorp).